The following is an entry in ClinVar:

NM_012186.3(FOXE3):c.706G>A (p.Glu236Lys)

Genes: FOXE3 (forkhead box E3; plus strand), LINC01389 (long independently transcribed non-coding RNA 1389; minus strand). Cytogenetic location: 1p33.
Variant type: single nucleotide variant.
Coding change: c.706G>A on transcript NM_012186.3 (MANE Select); coding-DNA position 706, G replaced by A.
Protein change: p.Glu236Lys; replaces glutamic acid 236 with lysine.
Molecular consequence: missense variant.
Genome position (GRCh38, 1-based): chr1:47,417,021, G>A. VCF-style: chr1-47417021-G-A. GRCh37 (hg19) VCF-style: chr1-47882693-G-A.
Other names: c.706G>A (NM_012186.2); short protein forms E236K.
Identifiers: ClinVar variation 2927026 (VCV002927026.4), dbSNP rs2521321688, ClinGen allele CA340250548.

ClinVar aggregate classification (germline): Uncertain significance. Review status: criteria provided, multiple submitters, no conflicts (2 of 4 stars). 2 submissions from 2 submitters: Uncertain significance (2). Last evaluated 2025-06-17.

Conditions:
Anterior segment dysgenesis. Also called: Ocular anterior segment dysgenesis. Identifiers: Orphanet 88632, MedGen C1862839, MONDO:0019503, HP:0007700.
Congenital primary aphakia. Also called: Anterior segment dysgenesis 2, multiple subtypes; ANTERIOR SEGMENT DYSGENESIS 2. Identifiers: Orphanet 83461, MedGen C1853230, MONDO:0012456, OMIM 610256.
Cardiovascular phenotype. Identifiers: MedGen CN230736.

Submissions (2):

Ambry Genetics
Classification: Uncertain significance for Cardiovascular phenotype. Last evaluated: 2025-06-17. Review status: criteria provided, single submitter. Criteria: Ambry Variant Classification Scheme 2023. Collection method: clinical testing. Allele origin: germline.
Comment: The p.E236K variant (also known as c.706G>A), located in coding exon 1 of the FOXE3 gene, results from a G to A substitution at nucleotide position 706. The glutamic acid at codon 236 is replaced by lysine, an amino acid with similar properties. This amino acid position is conserved. In addition, this alteration is predicted to be tolerated by in silico analysis. Based on the available evidence, the clinical significance of this variant remains unclear.

Labcorp Genetics (formerly Invitae), Labcorp
Classification: Uncertain significance for Anterior segment dysgenesis; Congenital primary aphakia. Last evaluated: 2023-06-25. Review status: criteria provided, single submitter. Criteria: Invitae Variant Classification Sherloc (09022015). Collection method: clinical testing. Allele origin: germline.
Comment: Advanced modeling of protein sequence and biophysical properties (such as structural, functional, and spatial information, amino acid conservation, physicochemical variation, residue mobility, and thermodynamic stability) performed at Invitae indicates that this missense variant is not expected to disrupt FOXE3 protein function. In summary, the available evidence is currently insufficient to determine the role of this variant in disease. Therefore, it has been classified as a Variant of Uncertain Significance. This variant has not been reported in the literature in individuals affected with FOXE3-related conditions. This sequence change replaces glutamic acid, which is acidic and polar, with lysine, which is basic and polar, at codon 236 of the FOXE3 protein (p.Glu236Lys). This variant is not present in population databases (gnomAD no frequency).